The following is an entry in ClinVar:

NM_000245.4(MET):c.103A>T (p.Met35Leu)

Gene: MET (MET proto-oncogene, receptor tyrosine kinase; plus strand). Cytogenetic location: 7q31.2.
Variant type: single nucleotide variant.
Coding change: c.103A>T on transcript NM_000245.4 (MANE Select); coding-DNA position 103, A replaced by T.
Protein change: p.Met35Leu; replaces methionine 35 with leucine.
Molecular consequence: missense variant. On other transcripts: intron variant (1).
Genome position (GRCh38, 1-based): chr7:116,699,187, A>T. VCF-style: chr7-116699187-A-T. GRCh37 (hg19) VCF-style: chr7-116339241-A-T.
Other names: c.103A>T, p.Met35Leu (NM_001127500.3, NM_001324401.3); c.-91+26610A>T (NM_001324402.2); short protein forms M35L.
Identifiers: ClinVar variation 134646 (VCV000134646.27), dbSNP rs375353223, ClinGen allele CA160424.

ClinVar aggregate classification (germline): Conflicting classifications of pathogenicity. Review status: criteria provided, conflicting classifications (1 of 4 stars). 9 submissions from 9 submitters: Uncertain significance (2); Likely benign (6). 1 of the submissions does not count toward it. Last evaluated 2025-12-30.

Conditions:
MET-related disorder. Also called: MET-related condition.
Renal cell carcinoma. Identifiers: Orphanet 217071, MedGen C0007134, MeSH D002292, MONDO:0005086, HP:0005584.
Hereditary cancer. Identifiers: MedGen C1333600.
Osteofibrous dysplasia (OSFD). Also called: Tibia, bowing of, with pseudarthrosis and pectus excavatum. Identifiers: Orphanet 488265, MedGen C4085248, MONDO:0011806, OMIM 607278.
Hereditary cancer-predisposing syndrome. Also called: Neoplastic Syndromes, Hereditary; Tumor predisposition; Hereditary Cancer Syndrome; Hereditary neoplastic syndrome. Identifiers: Orphanet 140162, MedGen C0027672, MeSH D009386, MONDO:0015356.

Allele frequency attached by ClinVar (database versions not stated): gnomAD exomes 0.00003 and 0.00011; ExAC 0.00012; 1000 Genomes Project 30x 0.00016; 1000 Genomes Project 0.00020; gnomAD 0.00037 and 0.00041; ESP Exome Variant Server 0.00041; TOPMed 0.00042.
gnomAD v4.1: 98 of 1,613,962 alleles (0.0061%); highest among the groups gnomAD compares: African/African-American, 0.11%; no homozygotes.

Submissions (9):

Dasa
Classification: Likely benign. Last evaluated: 2025-12-30. Review status: criteria provided, single submitter. Criteria: DASA Assertion Criteria. Collection method: clinical testing. Allele origin: germline.
Comment: NM_000245.4(MET):c.103A>T (p.Met35Leu) is a missense variant that results in the substitution of methionine with leucine. Observations in unaffected individuals support a benign interpretation. Computational prediction algorithms are consistent with a benign effect. Therefore, based on the currently available evidence, this variant is classified as likely benign.

Labcorp Genetics (formerly Invitae), Labcorp
Classification: Likely benign for Renal cell carcinoma. Last evaluated: 2025-12-24. Review status: criteria provided, single submitter. Criteria: Invitae Variant Classification Sherloc (09022015). Collection method: clinical testing. Allele origin: germline.

PreventionGenetics, part of Exact Sciences
Classification: Likely benign for MET-related condition. Last evaluated: 2025-03-09. Review status: criteria provided, single submitter. Criteria: ACMG Guidelines, 2015. Collection method: clinical testing. Allele origin: germline.
Comment: This variant is classified as likely benign based on ACMG/AMP sequence variant interpretation guidelines (Richards et al. 2015 PMID: 25741868, with internal and published modifications).

Mendelics
Classification: Likely benign for Hereditary cancer. Last evaluated: 2024-01-23. Review status: criteria provided, single submitter. Criteria: ACMG Guidelines, 2015. Collection method: clinical testing. Allele origin: unknown.

GeneDx
Classification: Likely benign. Last evaluated: 2023-07-25. Review status: criteria provided, single submitter. Criteria: GeneDx Variant Classification Process June 2021. Collection method: clinical testing. Allele origin: germline. Affected: yes.
Comment: See Variant Classification Assertion Criteria.

Sema4
Classification: Uncertain significance for Hereditary cancer-predisposing syndrome. Last evaluated: 2021-05-30. Review status: criteria provided, single submitter. Criteria: Sema4 Curation Guidelines. Collection method: curation. Allele origin: germline.
Comment: To the best of our knowledge, the MET c.103A>T (p.M35L) variant has not been reported in individuals with MET-related disease. This variant was observed in 35/24194 chromosomes in the African population, with no homozygotes, according to the Genome Aggregation Database (PMID: 32461654). This variant has been reported in ClinVar (Variation ID: 134646). In silico tools suggest the impact of the variant on protein function is benign, though these predictions have not been confirmed by functional studies. Based on the current evidence available, this variant is interpreted as a variant of uncertain significance.

Ambry Genetics
Classification: Likely benign for Hereditary cancer-predisposing syndrome. Last evaluated: 2020-02-19. Review status: criteria provided, single submitter. Criteria: Ambry Variant Classification Scheme 2023. Collection method: clinical testing. Allele origin: germline.

Baylor Genetics
Classification: Uncertain significance for Osteofibrous dysplasia. Last evaluated: 2019-07-09. Review status: criteria provided, single submitter. Criteria: ACMG Guidelines, 2015. Collection method: clinical testing. Allele origin: unknown. Affected: yes. Study: CSER-TexasKidsCanSeq.
Comment: This variant was determined to be of uncertain significance according to ACMG Guidelines, 2015 [PMID:25741868].

ITMI
No classification provided. Condition: AllHighlyPenetrant. Last evaluated: 2013-09-19. Review status: no classification provided. Collection method: reference population. Allele origin: germline. Not counted in ClinVar's aggregate classification.
Comment: Please see associated publication for description of ethnicities

Literature cited by the submitters: PubMed 24728327 (cited by ITMI).